The following is an entry in ClinVar:

NM_004415.4(DSP):c.6787A>G (p.Ile2263Val)

Gene: DSP (desmoplakin; plus strand). Cytogenetic location: 6p24.3.
Variant type: single nucleotide variant.
Coding change: c.6787A>G on transcript NM_004415.4 (MANE Select); coding-DNA position 6787, A replaced by G.
Protein change: p.Ile2263Val; replaces isoleucine 2263 with valine.
Molecular consequence: missense variant.
Genome position (GRCh38, 1-based): chr6:7,584,049, A>G. VCF-style: chr6-7584049-A-G. GRCh37 (hg19) VCF-style: chr6-7584282-A-G.
Other names: c.4990A>G, p.Ile1664Val (NM_001008844.3); c.5458A>G, p.Ile1820Val (NM_001319034.2); short protein forms I1820V, I1664V, I2263V.
Identifiers: ClinVar variation 4614053 (VCV004614053.1).

ClinVar aggregate classification (germline): Uncertain significance (1 of 4 stars; one submission).

Conditions:
Cardiovascular phenotype. Identifiers: MedGen CN230736.

gnomAD v4.1: 6 of 1,614,236 alleles (0.00037%); highest among the groups gnomAD compares: South Asian, 0.0011%; no homozygotes.

Submission:

Ambry Genetics
Classification: Uncertain significance for Cardiovascular phenotype. Last evaluated: 2025-12-11. Review status: criteria provided, single submitter. Criteria: Ambry Variant Classification Scheme 2023. Collection method: clinical testing. Allele origin: germline.
Comment: The p.I2263V variant (also known as c.6787A>G), located in coding exon 24 of the DSP gene, results from an A to G substitution at nucleotide position 6787. The isoleucine at codon 2263 is replaced by valine, an amino acid with highly similar properties. This amino acid position is conserved. In addition, this alteration is predicted to be tolerated by in silico analysis. Based on the available evidence, the clinical significance of this variant remains unclear.